The following is an entry in ClinVar:

ClinVar aggregate classification (germline): Uncertain significance. Review status: criteria provided, multiple submitters, no conflicts (2 of 4 stars). 3 submissions from 3 submitters: Uncertain significance (3). Last evaluated 2022-10-28.

Conditions:
Cardiovascular phenotype. Identifiers: MedGen CN230736.
Hereditary cancer-predisposing syndrome. Also called: Hereditary Cancer Syndrome; Hereditary neoplastic syndrome; Neoplastic Syndromes, Hereditary; Tumor predisposition. Identifiers: Orphanet 140162, MedGen C0027672, MeSH D009386, MONDO:0015356.

Allele frequency attached by ClinVar (database versions not stated): gnomAD exomes below 0.00001; TOPMed below 0.00001.
gnomAD v4.1: 2 of 1,562,664 alleles (0.00013%); highest among the groups gnomAD compares: South Asian, 0.0012%; no homozygotes.

Submissions (3):

Ambry Genetics
Classification: Uncertain significance for Cardiovascular phenotype; Hereditary cancer-predisposing syndrome. Last evaluated: 2022-10-28. Review status: criteria provided, single submitter. Criteria: Ambry Variant Classification Scheme 2023. Collection method: clinical testing. Allele origin: germline.
Comment: The p.T306M variant (also known as c.917C>T), located in coding exon 9 of the LZTR1 gene, results from a C to T substitution at nucleotide position 917. The threonine at codon 306 is replaced by methionine, an amino acid with similar properties. This amino acid position is highly conserved in available vertebrate species. In addition, this alteration is predicted to be tolerated by in silico analysis. Since supporting evidence is limited at this time, the clinical significance of this alteration remains unclear.

GeneDx
Classification: Uncertain significance. Last evaluated: 2022-03-01. Review status: criteria provided, single submitter. Criteria: GeneDx Variant Classification Process June 2021. Collection method: clinical testing. Allele origin: germline. Affected: yes.
Comment: Not observed at significant frequency in large population cohorts (gnomAD); In silico analysis supports that this missense variant has a deleterious effect on protein structure/function; Observed in an individual with multiple congenital heart defects (Edwards 2020); This variant is associated with the following publications: (PMID: 32368696)

Labcorp Genetics (formerly Invitae), Labcorp
Classification: Uncertain significance. Last evaluated: 2021-08-12. Review status: criteria provided, single submitter. Criteria: Invitae Variant Classification Sherloc (09022015). Collection method: clinical testing. Allele origin: germline.
Comment: This sequence change replaces threonine with methionine at codon 306 of the LZTR1 protein (p.Thr306Met). The threonine residue is highly conserved and there is a moderate physicochemical difference between threonine and methionine. This variant is not present in population databases (ExAC no frequency). This variant has not been reported in the literature in individuals affected with LZTR1-related conditions. Algorithms developed to predict the effect of missense changes on protein structure and function are either unavailable or do not agree on the potential impact of this missense change (SIFT: "Deleterious"; PolyPhen-2: "Benign"; Align-GVGD: "Class C0"). In summary, the available evidence is currently insufficient to determine the role of this variant in disease. Therefore, it has been classified as a Variant of Uncertain Significance.

NM_006767.4(LZTR1):c.917C>T (p.Thr306Met)

Gene: LZTR1 (leucine zipper like post translational regulator 1; plus strand). Cytogenetic location: 22q11.21.
Variant type: single nucleotide variant.
Coding change: c.917C>T on transcript NM_006767.4 (MANE Select); coding-DNA position 917, C replaced by T.
Protein change: p.Thr306Met; replaces threonine 306 with methionine.
Molecular consequence: missense variant.
Genome position (GRCh38, 1-based): chr22:20,991,753, C>T. VCF-style: chr22-20991753-C-T. GRCh37 (hg19) VCF-style: chr22-21346042-C-T.
Other names: short protein forms T306M.
Identifiers: ClinVar variation 1389769 (VCV001389769.10), dbSNP rs1214662056, ClinGen allele CA410781417.